The following is an entry in ClinVar:

NM_152705.3(POLR1D):c.361C>A (p.Arg121=)

Genes: POLR1D (RNA polymerase I and III subunit D; plus strand), LOC147380392 (uncharacterized LOC147380392; plus strand). Cytogenetic location: 13q12.2.
Variant type: single nucleotide variant.
Coding change: c.361C>A on transcript NM_152705.3; coding-DNA position 361, C replaced by A.
Protein change: p.Arg121=; no amino-acid change (arginine 121 retained).
Molecular consequence: synonymous variant.
Genome position (GRCh38, 1-based): chr13:27,665,945, C>A. VCF-style: chr13-27665945-C-A. GRCh37 (hg19) VCF-style: chr13-28240082-C-A.
Other names: c.277C>A, p.Arg93= (NM_001206559.2).
Identifiers: ClinVar variation 4872647 (VCV004872647.2).
Genomic context (GRCh38, chr13:27,665,945, plus strand): 5'-GCCAGTTACTCCCCGCCACGAAAGCGGAGCAGCCAGGACAAGTACGAAAAGCGGTCCAAC[C>A]GGCGGTGAGGCTGGAACCAGGGCCAGCCAGCCCTGCGGGCCTCCGTGCTCCTTCGGGGTG-3'

ClinVar aggregate classification (germline): Likely benign (1 of 4 stars; one submission).

gnomAD v4.1: 72 of 1,613,922 alleles (0.0045%); highest among the groups gnomAD compares: Non-Finnish European, 0.0054%; no homozygotes.

Submission:

CeGaT Center for Human Genetics Tuebingen
Classification: Likely benign. Last evaluated: 2026-06-01. Review status: criteria provided, single submitter. Criteria: CeGaT Center For Human Genetics Tuebingen Variant Classification Criteria Version 2. Collection method: clinical testing. Allele origin: germline. Affected: yes. Observed: 1 variant allele.
Comment: POLR1D: BP4, BP7